The following is an entry in ClinVar:

ClinVar aggregate classification (germline): not provided (0 of 4 stars; one submission).

Allele frequency attached by ClinVar (database versions not stated): TOPMed 0.00002 and 0.00001; gnomAD 0.00003 and 0.00001.
gnomAD v4.1: 1 of 1,613,994 alleles (0.000062%); highest among the groups gnomAD compares: Non-Finnish European, 0.000085%; no homozygotes.

Submission:

ITMI
No classification provided. Condition: AllHighlyPenetrant. Last evaluated: 2013-09-19. Review status: no classification provided. Collection method: reference population. Allele origin: germline.
Comment: Please see associated publication for description of ethnicities

Literature cited by the submitters: PubMed 24728327.

NM_006015.6(ARID1A):c.5791G>C (p.Glu1931Gln)

Gene: ARID1A (AT-rich interaction domain 1A; plus strand). Cytogenetic location: 1p36.11.
Variant type: single nucleotide variant.
Coding change: c.5791G>C on transcript NM_006015.6 (MANE Select); coding-DNA position 5791, G replaced by C.
Protein change: p.Glu1931Gln; replaces glutamic acid 1931 with glutamine.
Molecular consequence: missense variant.
Genome position (GRCh38, 1-based): chr1:26,779,689, G>C. VCF-style: chr1-26779689-G-C. GRCh37 (hg19) VCF-style: chr1-27106180-G-C.
Other names: c.5140G>C, p.Glu1714Gln (NM_139135.4); short protein forms E1931Q, E1714Q.
Identifiers: ClinVar variation 133553 (VCV000133553.1), dbSNP rs587778052, ClinGen allele CA156930.
Genomic context (GRCh38, chr1:26,779,689, plus strand): 5'-ATGGATGACATGTTGTCTACTCGGTCTAGCACCTTGACCGAGGATGGAGCTAAGAGTTCA[G>C]AGGCCATCAAGGAGAGCAGCAAGTTTCCATTTGGCATTAGCCCAGCACAGAGCCACCGGA-3'
Protein context (NP_006006.3, residues 1921-1941): TLTEDGAKSS[Glu1931Gln]AIKESSKFPF